The following is an entry in ClinVar:

NM_005401.5(PTPN14):c.1563T>C (p.Asn521=)

Gene: PTPN14 (protein tyrosine phosphatase non-receptor type 14; minus strand). Cytogenetic location: 1q32.3.
Variant type: single nucleotide variant.
Coding change: c.1563T>C on transcript NM_005401.5 (MANE Select); coding-DNA position 1563, T replaced by C.
Protein change: p.Asn521=; no amino-acid change (asparagine 521 retained).
Molecular consequence: synonymous variant.
Genome position (GRCh38, 1-based): chr1:214,384,292, A>G on the plus strand (T>C on the coding strand, the complement: PTPN14 is on the minus strand). VCF-style: chr1-214384292-A-G. GRCh37 (hg19) VCF-style: chr1-214557635-A-G.
Identifiers: ClinVar variation 3033663 (VCV003033663.2), dbSNP rs199871474, ClinGen allele CA1389083.
Genomic context (GRCh38, chr1:214,384,292, plus strand): 5'-CTCTGGGGTGCTCACCGTGTGCGAGATGGCGCTTGCCCCCGGCTTGCTTGGTACCACATT[A>G]TTCTTTGGGTTCCTCTGGTCAGATGGACTGACAAGTTTGTTGCTGTAGACCCCCTGTGGC-3'
Protein context (NP_005392.2, residues 511-531): VSPSDQRNPK[Asn521=]NVVPSKPGAS

ClinVar aggregate classification (germline): Likely benign (0 of 4 stars; one submission).

Conditions:
PTPN14-related disorder. Also called: PTPN14-related condition.

Allele frequency attached by ClinVar (database versions not stated): gnomAD exomes 0.00004; gnomAD 0.00007; ExAC 0.00009; 1000 Genomes Project 30x 0.00016; 1000 Genomes Project 0.00020.
gnomAD v4.1: 72 of 1,613,948 alleles (0.0045%); highest among the groups gnomAD compares: East Asian, 0.11%; no homozygotes.

Submission:

PreventionGenetics, part of Exact Sciences
Classification: Likely benign for PTPN14-related condition. Last evaluated: 2019-06-18. Review status: no assertion criteria provided. Collection method: clinical testing. Allele origin: germline.
Comment: This variant is classified as likely benign based on ACMG/AMP sequence variant interpretation guidelines (Richards et al. 2015 PMID: 25741868, with internal and published modifications).